The following is an entry in ClinVar:

ClinVar aggregate classification (germline): Uncertain significance. Review status: criteria provided, multiple submitters, no conflicts (2 of 4 stars). 2 submissions from 2 submitters: Uncertain significance (2). Last evaluated 2024-07-09.

Conditions:
Intellectual disability-facial dysmorphism syndrome due to SETD5 haploinsufficiency (MRD23). Also called: Intellectual developmental disorder, autosomal dominant 23. Identifiers: Orphanet 404440, MedGen C3810406, MONDO:0014336, OMIM 615761.

Allele frequency attached by ClinVar (database versions not stated): TOPMed below 0.00001; gnomAD 0.00001; gnomAD exomes below 0.00001.
gnomAD v4.1: 4 of 1,613,880 alleles (0.00025%); highest among the groups gnomAD compares: Non-Finnish European, 0.00025%; no homozygotes.

Submissions (2):

GeneDx
Classification: Uncertain significance. Last evaluated: 2024-07-09. Review status: criteria provided, single submitter. Criteria: GeneDx Variant Classification Process June 2021. Collection method: clinical testing. Allele origin: germline. Affected: yes.
Comment: Not observed at significant frequency in large population cohorts (gnomAD); In silico analysis supports that this missense variant has a deleterious effect on protein structure/function; Has not been previously published as pathogenic or benign to our knowledge

Institute of Human Genetics, University of Goettingen
Classification: Uncertain significance for Intellectual disability-facial dysmorphism syndrome due to SETD5 haploinsufficiency. Last evaluated: 2021-02-05. Review status: criteria provided, single submitter. Criteria: ACMG Guidelines, 2015. Collection method: clinical testing. Allele origin: unknown. Inheritance: Autosomal dominant inheritance. Observed: 1 variant allele, 1 heterozygote.
Comment: The variant c.2200A>G (p.(Thr734Ala)) in exon 16 of the SETD5-gene is not found in the gnomAD database, it affects a highly conserved nucleotide a highly conserved amino acid and there is a small physicochemical difference between Thr and Ala. This variant has a pathogenic computational verdict based on in silico prediction programs (M-CAP, MutationTaster, PolyPhen-2) and may lead to a splicing defect (predicted by in silico prediction programs Human Splicing Finder, SpliceSiteFinder-like, MaxEntScan), but to our knowledge no functional characterization to determine the functional consequence of this substitution was performed as of yet. ACMG criteria used for classification: PM2, PP3, BP1.

NM_001080517.3(SETD5):c.2200A>G (p.Thr734Ala)

Gene: SETD5 (SET domain containing 5; plus strand). Cytogenetic location: 3p25.3.
Variant type: single nucleotide variant.
Coding change: c.2200A>G on transcript NM_001080517.3 (MANE Select); coding-DNA position 2200, A replaced by G.
Protein change: p.Thr734Ala; replaces threonine 734 with alanine.
Molecular consequence: missense variant.
Genome position (GRCh38, 1-based): chr3:9,448,484, A>G. VCF-style: chr3-9448484-A-G. GRCh37 (hg19) VCF-style: chr3-9490168-A-G.
Other names: c.2200A>G (NM_001080517.1); c.1906A>G, p.Thr636Ala (NM_001292043.2, NM_001349451.2); short protein forms T636A, T734A.
Identifiers: ClinVar variation 996149 (VCV000996149.4), dbSNP rs918034864, ClinGen allele CA69963823.